The following is an entry in ClinVar:

NM_001371928.1(AHDC1):c.1007C>T (p.Pro336Leu)

Gene: AHDC1 (AT-hook DNA binding motif containing 1; minus strand). Cytogenetic location: 1p36.11.
Variant type: single nucleotide variant.
Coding change: c.1007C>T on transcript NM_001371928.1 (MANE Select); coding-DNA position 1007, C replaced by T.
Protein change: p.Pro336Leu; replaces proline 336 with leucine.
Molecular consequence: missense variant.
Genome position (GRCh38, 1-based): chr1:27,551,109, G>A on the plus strand (C>T on the coding strand, the complement: AHDC1 is on the minus strand). VCF-style: chr1-27551109-G-A. GRCh37 (hg19) VCF-style: chr1-27877620-G-A.
Other names: c.1007C>T, p.Pro336Leu (NM_001029882.3); c.1007C>T (NM_001029882.2); short protein forms P336L.
Identifiers: ClinVar variation 1518762 (VCV001518762.10), dbSNP rs758838935, ClinGen allele CA339235551.

ClinVar aggregate classification (germline): Conflicting classifications of pathogenicity. Review status: criteria provided, conflicting classifications (1 of 4 stars). 2 submissions from 2 submitters: Uncertain significance (1); Likely benign (1). Last evaluated 2026-10-15.

Submissions (2):

GeneDx
Classification: Uncertain significance. Last evaluated: 2026-10-15. Review status: criteria provided, single submitter. Criteria: GeneDx Variant Classification Process June 2021. Collection method: clinical testing. Allele origin: germline.
Comment: Not observed at significant frequency in large population cohorts (gnomAD); In silico analysis suggests that this missense variant does not alter protein structure/function; Has not been previously published as pathogenic or benign to our knowledge

Labcorp Genetics (formerly Invitae), Labcorp
Classification: Likely benign. Last evaluated: 2024-10-24. Review status: criteria provided, single submitter. Criteria: Invitae Variant Classification Sherloc (09022015). Collection method: clinical testing. Allele origin: germline.